The following is an entry in ClinVar:

ClinVar aggregate classification (germline): Uncertain significance (1 of 4 stars; one submission).

gnomAD v4.1: 1 of 1,601,776 alleles (0.000062%); highest among the groups gnomAD compares: Non-Finnish European, 0.000085%; no homozygotes.

Submission:

Labcorp Genetics (formerly Invitae), Labcorp
Classification: Uncertain significance. Last evaluated: 2023-10-05. Review status: criteria provided, single submitter. Criteria: Invitae Variant Classification Sherloc (09022015). Collection method: clinical testing. Allele origin: germline.
Comment: This sequence change replaces phenylalanine, which is neutral and non-polar, with serine, which is neutral and polar, at codon 294 of the GDF5 protein (p.Phe294Ser). This variant is not present in population databases (gnomAD no frequency). This variant has not been reported in the literature in individuals affected with GDF5-related conditions. Advanced modeling of protein sequence and biophysical properties (such as structural, functional, and spatial information, amino acid conservation, physicochemical variation, residue mobility, and thermodynamic stability) performed at Invitae indicates that this missense variant is expected to disrupt GDF5 protein function. In summary, the available evidence is currently insufficient to determine the role of this variant in disease. Therefore, it has been classified as a Variant of Uncertain Significance.

NM_000557.5(GDF5):c.881T>C (p.Phe294Ser)

Genes: GDF5 (growth differentiation factor 5; minus strand), GDF5-AS1 (GDF5 antisense RNA 1; plus strand). Cytogenetic location: 20q11.22.
Variant type: single nucleotide variant.
Coding change: c.881T>C on transcript NM_000557.5 (MANE Select); coding-DNA position 881, T replaced by C.
Protein change: p.Phe294Ser; replaces phenylalanine 294 with serine.
Molecular consequence: missense variant. On other transcripts: non-coding transcript variant (1).
Genome position (GRCh38, 1-based): chr20:35,434,534, A>G on the plus strand (T>C on the coding strand, the complement: GDF5 is on the minus strand). VCF-style: chr20-35434534-A-G. GRCh37 (hg19) VCF-style: chr20-34022332-A-G.
Other names: c.881T>C, p.Phe294Ser (NM_001319138.2); short protein forms F294S.
Identifiers: ClinVar variation 2754090 (VCV002754090.3), dbSNP rs2515420351, ClinGen allele CA408740850.